The following is an entry in ClinVar:

NM_004588.5(SCN2B):c.593C>G (p.Thr198Ser)

Gene: SCN2B (sodium voltage-gated channel beta subunit 2; minus strand). Cytogenetic location: 11q23.3.
Variant type: single nucleotide variant.
Coding change: c.593C>G on transcript NM_004588.5 (MANE Select); coding-DNA position 593, C replaced by G.
Protein change: p.Thr198Ser; replaces threonine 198 with serine.
Molecular consequence: missense variant.
Genome position (GRCh38, 1-based): chr11:118,166,942, G>C on the plus strand (C>G on the coding strand, the complement: SCN2B is on the minus strand). VCF-style: chr11-118166942-G-C. GRCh37 (hg19) VCF-style: chr11-118037657-G-C.
Other names: short protein forms T198S.
Identifiers: ClinVar variation 2447543 (VCV002447543.2), dbSNP rs2497598743, ClinGen allele CA382783454.
Genomic context (GRCh38, chr11:118,166,942, plus strand): 5'-ACCCACTACTTGGCGCCATCATCCGGGTTGCCTTCACCGTCCGTCTTGCCCTCCTCCTCG[G>C]TCTTCAGGTCATCTGTGCTCAGCTTCTGCTCTTTTTTTCTCCTCACACACTTGACCACCA-3'
Protein context (NP_004579.1, residues 188-208): EQKLSTDDLK[Thr198Ser]EEEGKTDGEG

ClinVar aggregate classification (germline): Uncertain significance (1 of 4 stars; one submission).

Conditions:
Cardiovascular phenotype. Identifiers: MedGen CN230736.

Submission:

Ambry Genetics
Classification: Uncertain significance for Cardiovascular phenotype. Last evaluated: 2022-12-04. Review status: criteria provided, single submitter. Criteria: Ambry Variant Classification Scheme 2023. Collection method: clinical testing. Allele origin: germline.
Comment: The p.T198S variant (also known as c.593C>G), located in coding exon 4 of the SCN2B gene, results from a C to G substitution at nucleotide position 593. The threonine at codon 198 is replaced by serine, an amino acid with similar properties. This amino acid position is conserved. In addition, the in silico prediction for this alteration is inconclusive. Since supporting evidence is limited at this time, the clinical significance of this alteration remains unclear.